The following is an entry in ClinVar:

ClinVar aggregate classification (germline): Uncertain significance. Review status: criteria provided, multiple submitters, no conflicts (2 of 4 stars). 2 submissions from 2 submitters: Uncertain significance (2). Last evaluated 2024-09-24.

Conditions:
Metachromatic leukodystrophy (MLD). Also called: Cerebral sclerosis diffuse metachromatic form; Arylsulfatase A Deficiency; ARSA DEFICIENCY; CEREBROSIDE SULFATASE DEFICIENCY; METACHROMATIC LEUKOENCEPHALOPATHY; SULFATIDE LIPIDOSIS. Identifiers: Orphanet 512, MedGen C0023522, MONDO:0018868, OMIM 250100.

Allele frequency attached by ClinVar (database versions not stated): 1000 Genomes Project 30x 0.00016; 1000 Genomes Project 0.00020; gnomAD 0.00034 and 0.00035; TOPMed 0.00040.

Submissions (2):

Centre of Medical Genetics, University Hospital Muenster
Classification: Uncertain significance. Last evaluated: 2024-09-24. Review status: criteria provided, single submitter. Criteria: ACMG Guidelines, 2015. Collection method: clinical testing. Allele origin: unknown. Affected: yes. Observed: 1 variant allele, 1 heterozygote.
Comment: ACMG categories: PM2,PM3

Illumina Laboratory Services, Illumina
Classification: Uncertain significance for Metachromatic leukodystrophy. Last evaluated: 2018-01-13. Review status: criteria provided, single submitter. Criteria: ICSL Variant Classification Criteria 13 December 2019. Collection method: clinical testing. Allele origin: germline.

NM_000487.6(ARSA):c.*2037C>T

Gene: ARSA (arylsulfatase A; minus strand). Cytogenetic location: 22q13.33.
Variant type: single nucleotide variant.
Coding change: c.*2037C>T on transcript NM_000487.6 (MANE Select); 2037 bases downstream of the stop codon, C replaced by T.
Molecular consequence: 3 prime UTR variant.
Genome position (GRCh38, 1-based): chr22:50,623,108, G>A on the plus strand (C>T on the coding strand, the complement: ARSA is on the minus strand). VCF-style: chr22-50623108-G-A. GRCh37 (hg19) VCF-style: chr22-51061536-G-A.
Other names: c.*2037C>T (NM_001085425.3, NM_001085426.3, NM_001085427.3 and 2 more transcripts).
Identifiers: ClinVar variation 900691 (VCV000900691.6), dbSNP rs568146327, ClinGen allele CA325530347.
Genomic context (GRCh38, chr22:50,623,108, plus strand): 5'-AGGAAGGAGGTGGCTGTTTGGTAGCAACGAACGGTGTCTGCCACGGGGAGGTGTCTGAAC[G>A]CCCGGAAGGTGTGCTCCTCTCACTTGGCCAACACTGAGGGAGCACCTGGCGTGTGACTGG-3'